The following is an entry in ClinVar:

NM_000053.4(ATP7B):c.1741A>T (p.Asn581Tyr)

Gene: ATP7B (ATPase copper transporting beta; minus strand). Cytogenetic location: 13q14.3.
Variant type: single nucleotide variant.
Coding change: c.1741A>T on transcript NM_000053.4 (MANE Select); coding-DNA position 1741, A replaced by T.
Protein change: p.Asn581Tyr; replaces asparagine 581 with tyrosine.
Molecular consequence: missense variant.
Genome position (GRCh38, 1-based): chr13:51,965,000, T>A on the plus strand (A>T on the coding strand, the complement: ATP7B is on the minus strand). VCF-style: chr13-51965000-T-A. GRCh37 (hg19) VCF-style: chr13-52539136-T-A.
Other names: c.1741A>T, p.Asn581Tyr (NM_001330578.2, NM_001330579.2, NM_001005918.3); c.1408A>T, p.Asn470Tyr (NM_001243182.2); short protein forms N581Y, N470Y.
Identifiers: ClinVar variation 1489862 (VCV001489862.9), dbSNP rs756435919, ClinGen allele CA6989235.

ClinVar aggregate classification (germline): Uncertain significance. Review status: criteria provided, multiple submitters, no conflicts (2 of 4 stars). 5 submissions from 5 submitters: Uncertain significance (5). Last evaluated 2024-11-25.

Conditions:
Wilson disease (WND). Also called: Wilson's disease. Identifiers: Orphanet 905, MedGen C0019202, MONDO:0010200, OMIM 277900. Disease mechanism: loss of function.

Allele frequency attached by ClinVar (database versions not stated): gnomAD exomes below 0.00001; ExAC 0.00001.
gnomAD v4.1: 3 of 1,614,138 alleles (0.00019%); highest among the groups gnomAD compares: Non-Finnish European, 0.000085%; no homozygotes.

Submissions (5):

Blueprint Genetics
Classification: Uncertain significance. Last evaluated: 2024-11-25. Review status: criteria provided, single submitter. Criteria: ACMG Guidelines, 2015. Collection method: clinical testing. Allele origin: germline.

All of Us Research Program, National Institutes of Health
Classification: Uncertain significance for Wilson disease. Last evaluated: 2024-08-30. Review status: criteria provided, single submitter. Criteria: ACMG Guidelines, 2015. Collection method: clinical testing. Allele origin: germline. Inheritance: Autosomal recessive inheritance. Observed: 5 variant alleles, 5 heterozygotes.
Comment: This missense variant replaces asparagine with tyrosine at codon 581 of the ATP7B protein. Computational prediction is inconclusive regarding the impact of this variant on protein structure and function (internally defined REVEL score threshold 0.5 < inconclusive < 0.7, PMID: 27666373). To our knowledge, functional studies have not been reported for this variant. This variant has not been reported in individuals affected with ATP7B-related disorders in the literature. This variant has been identified in 1/249574 chromosomes in the general population by the Genome Aggregation Database (gnomAD). The available evidence is insufficient to determine the role of this variant in disease conclusively. Therefore, this variant is classified as a Variant of Uncertain Significance.

This study involves interpretation of variants in research participants for the purpose of population health screening. Participant phenotype was not available at the time of variant classification. Additional details can be found in publication PMID: 35346344, PMCID: PMC8962531

Revvity Omics, Revvity
Classification: Uncertain significance for Wilson disease. Last evaluated: 2024-01-09. Review status: criteria provided, single submitter. Criteria: ACMG Guidelines, 2015. Collection method: clinical testing. Allele origin: germline.

GeneDx
Classification: Uncertain significance. Last evaluated: 2022-03-23. Review status: criteria provided, single submitter. Criteria: GeneDx Variant Classification Process June 2021. Collection method: clinical testing. Allele origin: germline. Affected: yes.
Comment: Not observed at significant frequency in large population cohorts (gnomAD); In silico analysis supports that this missense variant has a deleterious effect on protein structure/function; Has not been previously published as pathogenic or benign to our knowledge

Labcorp Genetics (formerly Invitae), Labcorp
Classification: Uncertain significance for Wilson disease. Last evaluated: 2022-03-01. Review status: criteria provided, single submitter. Criteria: Invitae Variant Classification Sherloc (09022015). Collection method: clinical testing. Allele origin: germline.
Comment: This sequence change replaces asparagine, which is neutral and polar, with tyrosine, which is neutral and polar, at codon 581 of the ATP7B protein (p.Asn581Tyr). This variant is present in population databases (rs756435919, gnomAD 0.003%). This variant has not been reported in the literature in individuals affected with ATP7B-related conditions. Algorithms developed to predict the effect of missense changes on protein structure and function are either unavailable or do not agree on the potential impact of this missense change (SIFT: "Deleterious"; PolyPhen-2: "Probably Damaging"; Align-GVGD: "Class C0"). In summary, the available evidence is currently insufficient to determine the role of this variant in disease. Therefore, it has been classified as a Variant of Uncertain Significance.